The following is an entry in ClinVar:

NM_002529.4(NTRK1):c.435G>A (p.Leu145=)

Gene: NTRK1 (neurotrophic receptor tyrosine kinase 1; plus strand). Cytogenetic location: 1q23.1.
Variant type: single nucleotide variant.
Coding change: c.435G>A on transcript NM_002529.4 (MANE Select); coding-DNA position 435, G replaced by A.
Protein change: p.Leu145=; no amino-acid change (leucine 145 retained).
Molecular consequence: synonymous variant.
Genome position (GRCh38, 1-based): chr1:156,868,110, G>A. VCF-style: chr1-156868110-G-A. GRCh37 (hg19) VCF-style: chr1-156837902-G-A.
Other names: c.435G>A, p.Leu145= (NM_001007204.1, NM_001012331.2); c.345G>A, p.Leu115= (NM_001007792.1).
Identifiers: ClinVar variation 1711230 (VCV001711230.33), dbSNP rs1647275742, ClinGen allele CA421270889.

ClinVar aggregate classification (germline): Likely benign. Review status: criteria provided, multiple submitters, no conflicts (2 of 4 stars). 2 submissions from 2 submitters: Likely benign (2). Last evaluated 2023-03-12.

Conditions:
Hereditary insensitivity to pain with anhidrosis (CIPA). Also called: hereditary sensory and autonomic neuropathy type 4; NTRK1 Congenital Insensitivity to Pain with Anhidrosis; FAMILIAL DYSAUTONOMIA, TYPE II; NEUROPATHY, CONGENITAL SENSORY, WITH ANHIDROSIS; INSENSITIVITY TO PAIN, CONGENITAL, WITH ANHIDROSIS; HSAN Type IV. Identifiers: Orphanet 642, MedGen C0020074, MONDO:0009746, OMIM 256800.

gnomAD v4.1: 2 of 1,613,874 alleles (0.00012%); highest among the groups gnomAD compares: Non-Finnish European, 0.00017%; no homozygotes.

Submissions (2):

Labcorp Genetics (formerly Invitae), Labcorp
Classification: Likely benign for Hereditary insensitivity to pain with anhidrosis. Last evaluated: 2023-03-12. Review status: criteria provided, single submitter. Criteria: Invitae Variant Classification Sherloc (09022015). Collection method: clinical testing. Allele origin: germline.

CeGaT Center for Human Genetics Tuebingen
Classification: Likely benign. Last evaluated: 2022-09-01. Review status: criteria provided, single submitter. Criteria: CeGaT Center For Human Genetics Tuebingen Variant Classification Criteria Version 2. Collection method: clinical testing. Allele origin: germline. Affected: yes. Observed: 1 variant allele.
Comment: NTRK1: BP4